The following is an entry in ClinVar:

NM_000238.4(KCNH2):c.2589A>G (p.Arg863=)

Gene: KCNH2 (potassium voltage-gated channel subfamily H member 2; minus strand). Cytogenetic location: 7q36.1.
Variant type: single nucleotide variant.
Coding change: c.2589A>G on transcript NM_000238.4 (MANE Select); coding-DNA position 2589, A replaced by G.
Protein change: p.Arg863=; no amino-acid change (arginine 863 retained).
Molecular consequence: synonymous variant.
Genome position (GRCh38, 1-based): chr7:150,948,859, T>C on the plus strand (A>G on the coding strand, the complement: KCNH2 is on the minus strand). VCF-style: chr7-150948859-T-C. GRCh37 (hg19) VCF-style: chr7-150645947-T-C.
Other names: c.1569A>G, p.Arg523= (NM_172057.3).
Identifiers: ClinVar variation 927354 (VCV000927354.15), dbSNP rs1036535206, ClinGen allele CA169074683.

ClinVar aggregate classification (germline): Likely benign. Review status: criteria provided, multiple submitters, no conflicts (2 of 4 stars). 4 submissions from 4 submitters: Likely benign (4). Last evaluated 2025-05-24.

Conditions:
Cardiovascular phenotype. Identifiers: MedGen CN230736.
Cardiac arrhythmia. Also called: Cardiac rhythm disease; Arrhythmia. Identifiers: MedGen C0003811, MONDO:0007263, HP:0011675.
Long QT syndrome (LQTS). Identifiers: MedGen C0023976, MeSH D008133, MONDO:0002442. Disease mechanism: loss of function. Inheritance: Various modes of inheritance.

Allele frequency attached by ClinVar (database versions not stated): gnomAD exomes below 0.00001; gnomAD 0.00001; TOPMed 0.00002.
gnomAD v4.1: 5 of 1,613,960 alleles (0.00031%); highest among the groups gnomAD compares: Non-Finnish European, 0.000085%; no homozygotes.

Submissions (4):

Ambry Genetics
Classification: Likely benign for Cardiovascular phenotype. Last evaluated: 2025-05-24. Review status: criteria provided, single submitter. Criteria: Ambry Variant Classification Scheme 2023. Collection method: clinical testing. Allele origin: germline.

Labcorp Genetics (formerly Invitae), Labcorp
Classification: Likely benign for Long QT syndrome. Last evaluated: 2025-01-25. Review status: criteria provided, single submitter. Criteria: Invitae Variant Classification Sherloc (09022015). Collection method: clinical testing. Allele origin: germline.

All of Us Research Program, National Institutes of Health
Classification: Likely benign for Long QT syndrome. Last evaluated: 2023-09-04. Review status: criteria provided, single submitter. Criteria: ACMG Guidelines, 2015. Collection method: clinical testing. Allele origin: germline. Inheritance: Autosomal dominant inheritance. Observed: 2 variant alleles, 2 heterozygotes.
Comment: This study involves interpretation of variants in research participants for the purpose of population health screening. Participant phenotype was not available at the time of variant classification. Additional details can be found in publication PMID: 35346344, PMCID: PMC8962531

Color Diagnostics, LLC DBA Color Health
Classification: Likely benign for Arrhythmia. Last evaluated: 2019-10-01. Review status: criteria provided, single submitter. Criteria: ACMG Guidelines, 2015. Collection method: clinical testing. Allele origin: germline.